The following is an entry in ClinVar:

NM_024301.5(FKRP):c.1424C>T (p.Pro475Leu)

Gene: FKRP (fukutin related protein; plus strand). Cytogenetic location: 19q13.32.
Variant type: single nucleotide variant.
Coding change: c.1424C>T on transcript NM_024301.5 (MANE Select); coding-DNA position 1424, C replaced by T.
Protein change: p.Pro475Leu; replaces proline 475 with leucine.
Molecular consequence: missense variant.
Genome position (GRCh38, 1-based): chr19:46,756,874, C>T. VCF-style: chr19-46756874-C-T. GRCh37 (hg19) VCF-style: chr19-47260131-C-T.
Other names: c.1424C>T, p.Pro475Leu (NM_001039885.3); short protein forms P475L.
Identifiers: ClinVar variation 1423967 (VCV001423967.7), dbSNP rs1468526055, ClinGen allele CA406497339.

ClinVar aggregate classification (germline): Uncertain significance. Review status: criteria provided, multiple submitters, no conflicts (2 of 4 stars). 2 submissions from 2 submitters: Uncertain significance (2). Last evaluated 2024-04-10.

Conditions:
Walker-Warburg congenital muscular dystrophy. Also called: Muscular dystrophy-dystroglycanopathy, type A; Walker-Warburg syndrome. Identifiers: Orphanet 899, MedGen C0265221, MONDO:0000171.

Allele frequency attached by ClinVar (database versions not stated): TOPMed 0.00001; gnomAD exomes below 0.00001.
gnomAD v4.1: 1 of 1,612,030 alleles (0.000062%); highest among the groups gnomAD compares: Admixed American, 0.0017%; no homozygotes.

Submissions (2):

Revvity Omics, Revvity
Classification: Uncertain significance. Last evaluated: 2024-04-10. Review status: criteria provided, single submitter. Criteria: ACMG Guidelines, 2015. Collection method: clinical testing. Allele origin: germline.

Labcorp Genetics (formerly Invitae), Labcorp
Classification: Uncertain significance for Walker-Warburg congenital muscular dystrophy. Last evaluated: 2022-10-18. Review status: criteria provided, single submitter. Criteria: Invitae Variant Classification Sherloc (09022015). Collection method: clinical testing. Allele origin: germline.
Comment: This sequence change replaces proline, which is neutral and non-polar, with leucine, which is neutral and non-polar, at codon 475 of the FKRP protein (p.Pro475Leu). This variant is present in population databases (no rsID available, gnomAD 0.003%). This variant has not been reported in the literature in individuals affected with FKRP-related conditions. ClinVar contains an entry for this variant (Variation ID: 1423967). Algorithms developed to predict the effect of missense changes on protein structure and function (SIFT, PolyPhen-2, Align-GVGD) all suggest that this variant is likely to be tolerated. In summary, the available evidence is currently insufficient to determine the role of this variant in disease. Therefore, it has been classified as a Variant of Uncertain Significance.